The following is an entry in ClinVar:

ClinVar aggregate classification (germline): Uncertain significance (1 of 4 stars; one submission).

Allele frequency attached by ClinVar (database versions not stated): gnomAD exomes below 0.00001; gnomAD 0.00005; 1000 Genomes Project 30x 0.00016; 1000 Genomes Project 0.00020.
gnomAD v4.1: 17 of 1,612,358 alleles (0.0011%); highest among the groups gnomAD compares: Admixed American, 0.015%; no homozygotes.

Submission:

Labcorp Genetics (formerly Invitae), Labcorp
Classification: Uncertain significance. Last evaluated: 2022-07-15. Review status: criteria provided, single submitter. Criteria: Invitae Variant Classification Sherloc (09022015). Collection method: clinical testing. Allele origin: germline.
Comment: This sequence change replaces arginine, which is basic and polar, with histidine, which is basic and polar, at codon 435 of the SI protein (p.Arg435His). This variant is present in population databases (rs536628141, gnomAD 0.009%). This variant has not been reported in the literature in individuals affected with SI-related conditions. Advanced modeling of protein sequence and biophysical properties (such as structural, functional, and spatial information, amino acid conservation, physicochemical variation, residue mobility, and thermodynamic stability) performed at Invitae indicates that this missense variant is not expected to disrupt SI protein function. In summary, the available evidence is currently insufficient to determine the role of this variant in disease. Therefore, it has been classified as a Variant of Uncertain Significance.

NM_001041.4(SI):c.1304G>A (p.Arg435His)

Gene: SI (sucrase-isomaltase; minus strand). Cytogenetic location: 3q26.1.
Variant type: single nucleotide variant.
Coding change: c.1304G>A on transcript NM_001041.4 (MANE Select); coding-DNA position 1304, G replaced by A.
Protein change: p.Arg435His; replaces arginine 435 with histidine.
Molecular consequence: missense variant.
Genome position (GRCh38, 1-based): chr3:165,059,057, C>T on the plus strand (G>A on the coding strand, the complement: SI is on the minus strand). VCF-style: chr3-165059057-C-T. GRCh37 (hg19) VCF-style: chr3-164776845-C-T.
Other names: short protein forms R435H.
Identifiers: ClinVar variation 1898767 (VCV001898767.2), dbSNP rs536628141, ClinGen allele CA86492969.